The following is an entry in ClinVar:

NM_000263.4(NAGLU):c.1328T>C (p.Met443Thr)

Gene: NAGLU (N-acetyl-alpha-glucosaminidase; plus strand). Cytogenetic location: 17q21.2.
Variant type: single nucleotide variant.
Coding change: c.1328T>C on transcript NM_000263.4 (MANE Select); coding-DNA position 1328, T replaced by C.
Protein change: p.Met443Thr; replaces methionine 443 with threonine.
Molecular consequence: missense variant.
Genome position (GRCh38, 1-based): chr17:42,543,334, T>C. VCF-style: chr17-42543334-T-C. GRCh37 (hg19) VCF-style: chr17-40695352-T-C.
Other names: short protein forms M443T.
Identifiers: ClinVar variation 2073569 (VCV002073569.1), dbSNP rs1299459381, ClinGen allele CA399601901.

ClinVar aggregate classification (germline): Uncertain significance (1 of 4 stars; one submission).

Conditions:
Charcot-Marie-Tooth disease axonal type 2V. Also called: CHARCOT-MARIE-TOOTH NEUROPATHY, TYPE 2V; CHARCOT-MARIE-TOOTH DISEASE, AXONAL, AUTOSOMAL DOMINANT, TYPE 2V. Identifiers: Orphanet 447964, MedGen C5569050, MONDO:0014665, OMIM 616491.
Mucopolysaccharidosis, MPS-III-B (MPS3B). Also called: N-ACETYL-ALPHA-D-GLUCOSAMINIDASE DEFICIENCY; NAGLU DEFICIENCY; SANFILIPPO SYNDROME B; MPS III B; MUCOPOLYSACCHARIDOSIS, TYPE IIIB; MPS IIIB (Sanfilippo Syndrome Type B). Identifiers: Orphanet 79270, MedGen C0086648, MONDO:0009656, OMIM 252920.

Allele frequency attached by ClinVar (database versions not stated): TOPMed below 0.00001.

Submission:

Labcorp Genetics (formerly Invitae), Labcorp
Classification: Uncertain significance for Charcot-Marie-Tooth disease axonal type 2V; Mucopolysaccharidosis, MPS-III-B. Last evaluated: 2022-01-04. Review status: criteria provided, single submitter. Criteria: Invitae Variant Classification Sherloc (09022015). Collection method: clinical testing. Allele origin: germline.
Comment: This sequence change replaces methionine, which is neutral and non-polar, with threonine, which is neutral and polar, at codon 443 of the NAGLU protein (p.Met443Thr). This variant is not present in population databases (gnomAD no frequency). This variant has not been reported in the literature in individuals affected with NAGLU-related conditions. Advanced modeling of protein sequence and biophysical properties (such as structural, functional, and spatial information, amino acid conservation, physicochemical variation, residue mobility, and thermodynamic stability) performed at Invitae indicates that this missense variant is not expected to disrupt NAGLU protein function. In summary, the available evidence is currently insufficient to determine the role of this variant in disease. Therefore, it has been classified as a Variant of Uncertain Significance.